The following is an entry in ClinVar:

ClinVar aggregate classification (germline): Uncertain significance (1 of 4 stars; one submission).

Conditions:
Hereditary cancer-predisposing syndrome. Also called: Neoplastic Syndromes, Hereditary; Tumor predisposition; Hereditary Cancer Syndrome; Hereditary neoplastic syndrome. Identifiers: Orphanet 140162, MedGen C0027672, MeSH D009386, MONDO:0015356.

Submission:

Ambry Genetics
Classification: Uncertain significance for Hereditary cancer-predisposing syndrome. Last evaluated: 2018-11-08. Review status: criteria provided, single submitter. Criteria: Ambry Variant Classification Scheme 2023. Collection method: clinical testing. Allele origin: germline.
Comment: The c.2052delT variant, located in coding exon 18 of the MRE11A gene, results from a deletion of one nucleotide at nucleotide position 2052, causing a translational frameshift with a predicted alternate stop codon (p.D685Ifs*14). Frameshifts are typically deleterious in nature, however, this frameshift occurs at the 3' terminus of MRE11A, is not expected to trigger nonsense-mediated mRNA decay, and impacts only the last ten amino acids of the protein. The exact functional impact of these altered amino acids is unknown at this time. Since supporting evidence is limited at this time, the clinical significance of this alteration remains unclear.

NM_005591.4(MRE11):c.2052del (p.Asp685fs)

Gene: MRE11 (MRE11 double strand break repair nuclease; minus strand). Cytogenetic location: 11q21.
Variant type: Deletion.
Coding change: c.2052del on transcript NM_005591.4 (MANE Select); coding-DNA position 2052, one base deleted (T; older notation c.2052delT).
Protein change: p.Asp685fs; shifts the reading frame from aspartic acid 685.
Molecular consequence: frameshift variant.
Genome position (GRCh38, 1-based): chr11:94,429,929, A deleted on the plus strand (T on the coding strand, the reverse complement: MRE11 is on the minus strand); the first of 2 consecutive A bases (chr11:94,429,929-94,429,930); deleting either gives the same sequence. VCF-style (leftmost placement, unchanged base first): chr11-94429928-CA-C. GRCh37 (hg19) VCF-style: chr11-94163094-CA-C.
Other names: c.2049del, p.Asp684fs (NM_001330347.2); c.1968del, p.Asp657fs (NM_005590.4); short protein forms D657fs, D685fs, D684fs.
Identifiers: ClinVar variation 820594 (VCV000820594.4), dbSNP rs1591633850, ClinGen allele CA915947739.
Genomic context (GRCh38, chr11:94,429,928, plus strand): 5'-AAAGTTAAAAATTAATTAAAATTTAACAATATTACTTATTTACCTCACTTGATTCAAAAT[CA>C]ACCCCTTTCGATACTTGACTCTGGGACATGATTTTGCTGGATGATGTGCTGGACCACCTG-3'